The following is an entry in ClinVar:

ClinVar aggregate classification (germline): Uncertain significance (1 of 4 stars; one submission).

gnomAD v4.1: 7 of 1,613,990 alleles (0.00043%); highest among the groups gnomAD compares: Non-Finnish European, 0.00051%; no homozygotes.

Submission:

Labcorp Genetics (formerly Invitae), Labcorp
Classification: Uncertain significance. Last evaluated: 2024-11-29. Review status: criteria provided, single submitter. Criteria: Invitae Variant Classification Sherloc (09022015). Collection method: clinical testing. Allele origin: germline.
Comment: This sequence change replaces arginine, which is basic and polar, with serine, which is neutral and polar, at codon 1601 of the MYO3A protein (p.Arg1601Ser). This variant is not present in population databases (gnomAD no frequency). This variant has not been reported in the literature in individuals affected with MYO3A-related conditions. An algorithm developed to predict the effect of missense changes on protein structure and function (PolyPhen-2) suggests that this variant is likely to be tolerated. In summary, the available evidence is currently insufficient to determine the role of this variant in disease. Therefore, it has been classified as a Variant of Uncertain Significance.

NM_017433.5(MYO3A):c.4803G>C (p.Arg1601Ser)

Gene: MYO3A (myosin IIIA; plus strand). Cytogenetic location: 10p12.1.
Variant type: single nucleotide variant.
Coding change: c.4803G>C on transcript NM_017433.5 (MANE Select); coding-DNA position 4803, G replaced by C.
Protein change: p.Arg1601Ser; replaces arginine 1601 with serine.
Molecular consequence: missense variant.
Genome position (GRCh38, 1-based): chr10:26,211,915, G>C. VCF-style: chr10-26211915-G-C. GRCh37 (hg19) VCF-style: chr10-26500844-G-C.
Other names: short protein forms R1601S.
Identifiers: ClinVar variation 3679287 (VCV003679287.2).